The following is an entry in ClinVar:

ClinVar aggregate classification (germline): Uncertain significance (1 of 4 stars; one submission).

Allele frequency attached by ClinVar (database versions not stated): TOPMed below 0.00001; gnomAD exomes 0.00001.
gnomAD v4.1: 9 of 1,461,970 alleles (0.00062%); highest among the groups gnomAD compares: Non-Finnish European, 0.0008%; no homozygotes.

Submission:

Labcorp Genetics (formerly Invitae), Labcorp
Classification: Uncertain significance. Last evaluated: 2023-08-30. Review status: criteria provided, single submitter. Criteria: Invitae Variant Classification Sherloc (09022015). Collection method: clinical testing. Allele origin: germline.
Comment: This variant has not been reported in the literature in individuals affected with SPEG-related conditions. This variant is not present in population databases (gnomAD no frequency). This sequence change replaces arginine, which is basic and polar, with cysteine, which is neutral and slightly polar, at codon 2432 of the SPEG protein (p.Arg2432Cys). In summary, the available evidence is currently insufficient to determine the role of this variant in disease. Therefore, it has been classified as a Variant of Uncertain Significance. An algorithm developed to predict the effect of missense changes on protein structure and function (PolyPhen-2) suggests that this variant is likely to be tolerated. ClinVar contains an entry for this variant (Variation ID: 1502052).

NM_005876.5(SPEG):c.7294C>T (p.Arg2432Cys)

Genes: ASIC4-AS1 (ASIC4 antisense RNA 1; minus strand), SPEG (striated muscle enriched protein kinase; plus strand). Cytogenetic location: 2q35.
Variant type: single nucleotide variant.
Coding change: c.7294C>T on transcript NM_005876.5 (MANE Select); coding-DNA position 7294, C replaced by T.
Protein change: p.Arg2432Cys; replaces arginine 2432 with cysteine.
Molecular consequence: missense variant.
Genome position (GRCh38, 1-based): chr2:219,484,757, C>T. VCF-style: chr2-219484757-C-T. GRCh37 (hg19) VCF-style: chr2-220349479-C-T.
Other names: short protein forms R2432C.
Identifiers: ClinVar variation 1502052 (VCV001502052.6), dbSNP rs1046152112, ClinGen allele CA65992423.